The following is an entry in ClinVar:

ClinVar aggregate classification (germline): Uncertain significance. Review status: criteria provided, multiple submitters, no conflicts (2 of 4 stars). 2 submissions from 2 submitters: Uncertain significance (2). Last evaluated 2024-10-24.

Conditions:
Pheochromocytoma/paraganglioma syndrome 5. Also called: Paragangliomas 5; SDHA-Related Hereditary Paraganglioma-Pheochromocytoma Syndrome. Identifiers: Orphanet 29072, MedGen C3279992, MONDO:0013602, OMIM 614165.
Mitochondrial complex II deficiency, nuclear type 1. Also called: SUCCINATE CoQ REDUCTASE DEFICIENCY. Identifiers: Orphanet 3208, MedGen C5700310, MONDO:0100294, OMIM 252011.
Hereditary cancer-predisposing syndrome. Also called: Tumor predisposition; Neoplastic Syndromes, Hereditary; Hereditary Cancer Syndrome; Hereditary neoplastic syndrome. Identifiers: Orphanet 140162, MedGen C0027672, MeSH D009386, MONDO:0015356.

Submissions (2):

Labcorp Genetics (formerly Invitae), Labcorp
Classification: Uncertain significance for Pheochromocytoma/paraganglioma syndrome 5; Mitochondrial complex II deficiency, nuclear type 1. Last evaluated: 2024-10-24. Review status: criteria provided, single submitter. Criteria: Invitae Variant Classification Sherloc (09022015). Collection method: clinical testing. Allele origin: germline.
Comment: This sequence change replaces aspartic acid, which is acidic and polar, with glutamic acid, which is acidic and polar, at codon 497 of the SDHA protein (p.Asp497Glu). This variant is not present in population databases (gnomAD no frequency). This variant has not been reported in the literature in individuals affected with SDHA-related conditions. ClinVar contains an entry for this variant (Variation ID: 643260). Invitae Evidence Modeling of protein sequence and biophysical properties (such as structural, functional, and spatial information, amino acid conservation, physicochemical variation, residue mobility, and thermodynamic stability) indicates that this missense variant is not expected to disrupt SDHA protein function with a negative predictive value of 95%. In summary, the available evidence is currently insufficient to determine the role of this variant in disease. Therefore, it has been classified as a Variant of Uncertain Significance.

Ambry Genetics
Classification: Uncertain significance for Hereditary cancer-predisposing syndrome. Last evaluated: 2021-02-08. Review status: criteria provided, single submitter. Criteria: Ambry Variant Classification Scheme 2023. Collection method: clinical testing. Allele origin: germline.
Comment: The p.D497E variant (also known as c.1491C>G), located in coding exon 11 of the SDHA gene, results from a C to G substitution at nucleotide position 1491. The aspartic acid at codon 497 is replaced by glutamic acid, an amino acid with highly similar properties. This amino acid position is highly conserved in available vertebrate species. In addition, the in silico prediction for this alteration is inconclusive. Since supporting evidence is limited at this time, the clinical significance of this alteration remains unclear.

NM_004168.4(SDHA):c.1491C>G (p.Asp497Glu)

Gene: SDHA (succinate dehydrogenase complex flavoprotein subunit A; plus strand). Cytogenetic location: 5p15.33.
Variant type: single nucleotide variant.
Coding change: c.1491C>G on transcript NM_004168.4 (MANE Select); coding-DNA position 1491, C replaced by G.
Protein change: p.Asp497Glu; replaces aspartic acid 497 with glutamic acid.
Molecular consequence: missense variant.
Genome position (GRCh38, 1-based): chr5:240,416, C>G. VCF-style: chr5-240416-C-G. GRCh37 (hg19) VCF-style: chr5-240531-C-G.
Other names: c.1347C>G, p.Asp449Glu (NM_001294332.2); c.1491C>G, p.Asp497Glu (NM_001330758.2); short protein forms D497E, D449E.
Identifiers: ClinVar variation 643260 (VCV000643260.13), dbSNP rs1579417658, ClinGen allele CA359014284.